The following is an entry in ClinVar:

ClinVar aggregate classification (germline): Uncertain significance. Review status: criteria provided, multiple submitters, no conflicts (2 of 4 stars). 3 submissions from 3 submitters: Uncertain significance (3). Last evaluated 2023-12-10.

Conditions:
Cardiovascular phenotype. Identifiers: MedGen CN230736.
Hypercholesterolemia, familial, 4 (FHCL4). Also called: HYPERCHOLESTEROLEMIA, AUTOSOMAL RECESSIVE, 1; HYPERCHOLESTEROLEMIA, AUTOSOMAL RECESSIVE, 2. Identifiers: Orphanet 391665, MedGen C1863512, MONDO:0011374, OMIM 603813.

gnomAD v4.1: 23 of 1,613,856 alleles (0.0014%); highest among the groups gnomAD compares: Non-Finnish European, 0.0019%; no homozygotes.

Submissions (3):

Ambry Genetics
Classification: Uncertain significance for Cardiovascular phenotype. Last evaluated: 2023-12-10. Review status: criteria provided, single submitter. Criteria: Ambry Variant Classification Scheme 2023. Collection method: clinical testing. Allele origin: germline.
Comment: The p.T41K variant (also known as c.122C>A), located in coding exon 2 of the LDLRAP1 gene, results from a C to A substitution at nucleotide position 122. The threonine at codon 41 is replaced by lysine, an amino acid with similar properties. This amino acid position is conserved. In addition, this alteration is predicted to be deleterious by in silico analysis. Since supporting evidence is limited at this time, the clinical significance of this alteration remains unclear.

Women's Health and Genetics/Laboratory Corporation of America, LabCorp
Classification: Uncertain significance. Last evaluated: 2023-09-26. Review status: criteria provided, single submitter. Criteria: LabCorp Variant Classification Summary - May 2015. Collection method: clinical testing. Allele origin: germline.
Comment: Variant summary: LDLRAP1 c.122C>A (p.Thr41Lys) results in a non-conservative amino acid change in the encoded protein sequence. Three of five in-silico tools predict a damaging effect of the variant on protein function. The variant allele was found at a frequency of 8e-06 in 251004 control chromosomes (gnomAD). The available data on variant occurrences in the general population are insufficient to allow any conclusion about variant significance. To our knowledge, no occurrence of c.122C>A in individuals affected with Familial Hypercholesterolemia and no experimental evidence demonstrating its impact on protein function have been reported. One submitter has cited clinical-significance assessments for this variant to ClinVar after 2014 and has classified the variant as uncertain significance. Based on the evidence outlined above, the variant was classified as uncertain significance.

Genome-Nilou Lab
Classification: Uncertain significance for Hypercholesterolemia, familial, 4. Last evaluated: 2023-04-11. Review status: criteria provided, single submitter. Criteria: ACMG Guidelines, 2015. Collection method: clinical testing. Allele origin: germline. Affected: no.

Literature cited by the submitters: PubMed 24448499 (cited by Women's Health and Genetics/Laboratory Corporation of America, LabCorp).

NM_015627.3(LDLRAP1):c.122C>A (p.Thr41Lys)

Gene: LDLRAP1 (low density lipoprotein receptor adaptor protein 1; plus strand). Cytogenetic location: 1p36.11.
Variant type: single nucleotide variant.
Coding change: c.122C>A on transcript NM_015627.3 (MANE Select); coding-DNA position 122, C replaced by A.
Protein change: p.Thr41Lys; replaces threonine 41 with lysine.
Molecular consequence: missense variant.
Genome position (GRCh38, 1-based): chr1:25,553,955, C>A. VCF-style: chr1-25553955-C-A. GRCh37 (hg19) VCF-style: chr1-25880446-C-A.
Other names: short protein forms T41K.
Identifiers: ClinVar variation 1755122 (VCV001755122.4), dbSNP rs142920998, ClinGen allele CA695443.